The following is an entry in ClinVar:

ClinVar aggregate classification (germline): Uncertain significance (1 of 4 stars; one submission).

gnomAD v4.1: 30 of 1,613,420 alleles (0.0019%); highest among the groups gnomAD compares: Middle Eastern, 0.033%; no homozygotes.

Submission:

Women's Health and Genetics/Laboratory Corporation of America, LabCorp
Classification: Uncertain significance. Last evaluated: 2025-04-24. Review status: criteria provided, single submitter. Criteria: LabCorp Variant Classification Summary - May 2015. Collection method: clinical testing. Allele origin: germline.
Comment: Variant summary: ADGRG1 c.843C>A (p.Ser281Arg) results in a non-conservative amino acid change in the encoded protein sequence. Four of five in-silico tools predict a benign effect of the variant on protein function. The variant allele was found at a frequency of 3.6e-05 in 250900 control chromosomes. The available data on variant occurrences in the general population are insufficient to allow any conclusion about variant significance. To our knowledge, no occurrence of c.843C>A in individuals affected with Polymicrogyria, Bilateral Frontoparietal and no experimental evidence demonstrating its impact on protein function have been reported. No submitters have cited clinical-significance assessments for this variant to ClinVar. Based on the evidence outlined above, the variant was classified as uncertain significance.

NM_201525.4(ADGRG1):c.843C>A (p.Ser281Arg)

Gene: ADGRG1 (adhesion G protein-coupled receptor G1; plus strand). Cytogenetic location: 16q21.
Variant type: single nucleotide variant.
Coding change: c.843C>A on transcript NM_201525.4 (MANE Select); coding-DNA position 843, C replaced by A.
Protein change: p.Ser281Arg; replaces serine 281 with arginine.
Molecular consequence: missense variant.
Genome position (GRCh38, 1-based): chr16:57,655,473, C>A. VCF-style: chr16-57655473-C-A. GRCh37 (hg19) VCF-style: chr16-57689385-C-A.
Other names: c.843C>A, p.Ser281Arg (NM_001145770.3, NM_001145771.3, NM_001145772.3 and 16 more transcripts); c.858C>A, p.Ser286Arg (NM_001145773.3, NM_001370433.1); c.333C>A, p.Ser111Arg (NM_001290142.2); c.318C>A, p.Ser106Arg (NM_001290143.2, NM_001290144.2, NM_001370451.1 and 2 more transcripts); c.687C>A, p.Ser229Arg (NM_001370442.1); short protein forms S106R, S111R, S229R, S281R, S286R.
Identifiers: ClinVar variation 3896646 (VCV003896646.2).